The following is an entry in ClinVar:

NM_022455.5(NSD1):c.6259-8A>T

Gene: NSD1 (nuclear receptor binding SET domain protein 1; plus strand). Cytogenetic location: 5q35.3.
Variant type: single nucleotide variant.
Coding change: c.6259-8A>T on transcript NM_022455.5 (MANE Select); 8 bases into the intron before coding-DNA position 6259, A replaced by T.
Molecular consequence: intron variant.
Genome position (GRCh38, 1-based): chr5:177,291,946, A>T. VCF-style: chr5-177291946-A-T. GRCh37 (hg19) VCF-style: chr5-176718947-A-T.
Other names: c.6259-8A>T (NM_001409301.1, NM_001409302.1, NM_001409303.1); c.5839-8A>T (NM_001409304.1); c.5506-8A>T (NM_001409305.1); c.5497-8A>T (NM_001409306.1, NM_001409307.1); c.5386-8A>T (NM_001409308.1, NM_172349.5, NM_001365684.2); c.5137-8A>T (NM_001409309.1).
Identifiers: ClinVar variation 159407 (VCV000159407.22), dbSNP rs370529039, ClinGen allele CA295050.

ClinVar aggregate classification (germline): Conflicting classifications of pathogenicity. Review status: criteria provided, conflicting classifications (1 of 4 stars). 7 submissions from 7 submitters: Uncertain significance (2); Likely benign (3). 2 of the submissions do not count toward it. Last evaluated 2025-11-27.

Conditions:
Sotos syndrome (SOTOS). Also called: Distinctive facial appearance, overgrowth in childhood, and learning disabilities or delayed development; CEREBRAL GIGANTISM; Sotos' syndrome; CHROMOSOME 5q35 DELETION SYNDROME; SOTOS SYNDROME 1. Identifiers: Orphanet 821, MedGen C0175695, MONDO:0019349, OMIM 117550.
NSD1-related disorder. Also called: NSD1-related condition.

Allele frequency attached by ClinVar (database versions not stated): ExAC 0.00006; gnomAD 0.00008 and 0.00006; gnomAD exomes 0.00004 and 0.00008; TOPMed 0.00010; ESP Exome Variant Server 0.00008.
gnomAD v4.1: 137 of 1,612,890 alleles (0.0085%); highest among the groups gnomAD compares: Admixed American, 0.012%; no homozygotes.

Submissions (7):

Labcorp Genetics (formerly Invitae), Labcorp
Classification: Likely benign. Last evaluated: 2025-11-27. Review status: criteria provided, single submitter. Criteria: Invitae Variant Classification Sherloc (09022015). Collection method: clinical testing. Allele origin: germline.

PreventionGenetics, part of Exact Sciences
Classification: Likely benign for NSD1-related condition. Last evaluated: 2025-02-21. Review status: criteria provided, single submitter. Criteria: ACMG Guidelines, 2015. Collection method: clinical testing. Allele origin: germline.
Comment: This variant is classified as likely benign based on ACMG/AMP sequence variant interpretation guidelines (Richards et al. 2015 PMID: 25741868, with internal and published modifications).

Genome-Nilou Lab
Classification: Likely benign for Sotos syndrome. Last evaluated: 2021-07-15. Review status: criteria provided, single submitter. Criteria: ACMG Guidelines, 2015. Collection method: clinical testing. Allele origin: germline. Affected: no.

Center for Human Genetics, Inc
Classification: Uncertain significance. Last evaluated: 2016-11-01. Review status: criteria provided, single submitter. Criteria: ACMG Guidelines, 2015. Collection method: clinical testing. Allele origin: germline. Affected: yes.

Genetic Services Laboratory, University of Chicago
Classification: Uncertain significance for Sotos syndrome 1. Last evaluated: 2013-02-08. Review status: criteria provided, single submitter. Criteria: ACMG Guidelines, 2007. Collection method: clinical testing. Allele origin: germline. Inheritance: Autosomal dominant inheritance.

Clinical Genetics DNA and cytogenetics Diagnostics Lab, Erasmus MC, Erasmus Medical Center
Classification: Benign. Review status: no assertion criteria provided. Collection method: clinical testing. Allele origin: germline. Affected: yes. Study: VKGL Data-share Consensus. Not counted in ClinVar's aggregate classification.

Laboratory of Diagnostic Genome Analysis, Leiden University Medical Center (LUMC)
Classification: Likely benign. Review status: no assertion criteria provided. Collection method: clinical testing. Allele origin: germline. Affected: yes. Study: VKGL Data-share Consensus. Not counted in ClinVar's aggregate classification.